The following is an entry in ClinVar:

NM_004260.4(RECQL4):c.551G>A (p.Gly184Asp)

Gene: RECQL4 (RecQ like helicase 4; minus strand). Cytogenetic location: 8q24.3.
Variant type: single nucleotide variant.
Coding change: c.551G>A on transcript NM_004260.4 (MANE Select); coding-DNA position 551, G replaced by A.
Protein change: p.Gly184Asp; replaces glycine 184 with aspartic acid.
Molecular consequence: missense variant.
Genome position (GRCh38, 1-based): chr8:144,516,568, C>T on the plus strand (G>A on the coding strand, the complement: RECQL4 is on the minus strand). VCF-style: chr8-144516568-C-T. GRCh37 (hg19) VCF-style: chr8-145741952-C-T.
Other names: short protein forms G184D.
Identifiers: ClinVar variation 529002 (VCV000529002.12), dbSNP rs369118443, ClinGen allele CA4949254.

ClinVar aggregate classification (germline): Uncertain significance. Review status: criteria provided, multiple submitters, no conflicts (2 of 4 stars). 5 submissions from 5 submitters: Uncertain significance (5). Last evaluated 2026-04-21.

Conditions:
RECQL4-related disorder. Also called: RECQL4-related condition; RECQL4-related disorders.
Baller-Gerold syndrome (BGS). Also called: CRANIOSYNOSTOSIS WITH RADIAL DEFECTS. Identifiers: Orphanet 1225, MedGen C0265308, MONDO:0009039, OMIM 218600.
Rapadilino syndrome. Identifiers: Orphanet 3021, MedGen C1849453, MONDO:0009955, OMIM 266280.
Rothmund-Thomson syndrome type 2 (RTS2). Identifiers: Orphanet 221016, MedGen C5203410, MONDO:0016369, OMIM 268400.

Allele frequency attached by ClinVar (database versions not stated): gnomAD 0.00002 and 0.00004; gnomAD exomes 0.00002 and 0.00001; TOPMed 0.00005; ESP Exome Variant Server 0.00017; ExAC 0.00002.

Submissions (5):

PreventionGenetics, part of Exact Sciences
Classification: Uncertain significance for RECQL4-related condition. Last evaluated: 2026-04-21. Review status: criteria provided, single submitter. Criteria: ACMG Guidelines, 2015. Collection method: clinical testing. Allele origin: germline.
Comment: The RECQL4 c.551G>A variant is predicted to result in the amino acid substitution p.Gly184Asp. This variant has been reported in the homozygous state in an individual with Rothmund-Thomson syndrome (Almubarak et al. 2022. PubMed ID: 36360262). This variant is reported in 0.0087% of alleles in individuals of Latino descent in gnomAD and is interpreted as uncertain in ClinVar (Variation: 529002). At PreventionGenetics this variant has been identified in the homozygous state in at least 11 individuals tested for unrelated indications or in unaffected family members (Internal Data). Although we suspect this variant may be benign, at this time, the clinical significance of this variant is uncertain due to the absence of conclusive functional and genetic evidence.

Labcorp Genetics (formerly Invitae), Labcorp
Classification: Uncertain significance for Baller-Gerold syndrome. Last evaluated: 2025-07-31. Review status: criteria provided, single submitter. Criteria: Invitae Variant Classification Sherloc (09022015). Collection method: clinical testing. Allele origin: germline.
Comment: This sequence change replaces glycine, which is neutral and non-polar, with aspartic acid, which is acidic and polar, at codon 184 of the RECQL4 protein (p.Gly184Asp). The frequency data for this variant in the population databases is considered unreliable, as metrics indicate poor data quality at this position in the gnomAD database. This variant has not been reported in the literature in individuals affected with RECQL4-related conditions. ClinVar contains an entry for this variant (Variation ID: 529002). Invitae Evidence Modeling of protein sequence and biophysical properties (such as structural, functional, and spatial information, amino acid conservation, physicochemical variation, residue mobility, and thermodynamic stability) indicates that this missense variant is not expected to disrupt RECQL4 protein function with a negative predictive value of 80%. In summary, the available evidence is currently insufficient to determine the role of this variant in disease. Therefore, it has been classified as a Variant of Uncertain Significance.

Blueprint Genetics
Classification: Uncertain significance. Last evaluated: 2024-11-21. Review status: criteria provided, single submitter. Criteria: ACMG Guidelines, 2015. Collection method: clinical testing. Allele origin: germline.

Department of Pathology and Laboratory Medicine, Sinai Health System
Classification: Uncertain significance for Baller-Gerold syndrome; Rapadilino syndrome; Rothmund-Thomson syndrome type 2. Last evaluated: 2023-09-21. Review status: criteria provided, single submitter. Criteria: ACMG Guidelines, 2015. Collection method: research. Allele origin: germline.

GeneDx
Classification: Uncertain significance. Last evaluated: 2019-06-27. Review status: criteria provided, single submitter. Criteria: GeneDx Variant Classification Process June 2021. Collection method: clinical testing. Allele origin: germline. Affected: yes.
Comment: In silico analysis, which includes protein predictors and evolutionary conservation, supports that this variant does not alter protein structure/function; Has not been previously published as pathogenic or benign to our knowledge